The following is an entry in ClinVar:

ClinVar aggregate classification (germline): Uncertain significance. Review status: criteria provided, multiple submitters, no conflicts (2 of 4 stars). 2 submissions from 2 submitters: Uncertain significance (2). Last evaluated 2025-07-02.

Conditions:
Inborn genetic diseases. Identifiers: MedGen C0950123, MeSH D030342.
Diffuse cerebral and cerebellar atrophy - intractable seizures - progressive microcephaly syndrome. Also called: Microcephaly, progressive, with seizures and cerebral and cerebellar atrophy. Identifiers: Orphanet 404437, MedGen C4014239, MONDO:0014335, OMIM 615760.

Allele frequency attached by ClinVar (database versions not stated): gnomAD exomes 0.00001; ExAC 0.00002.
gnomAD v4.1: 9 of 1,614,134 alleles (0.00056%); highest among the groups gnomAD compares: South Asian, 0.0011%; no homozygotes.

Submissions (2):

Ambry Genetics
Classification: Uncertain significance for Inborn genetic diseases. Last evaluated: 2025-07-02. Review status: criteria provided, single submitter. Criteria: Ambry Variant Classification Scheme 2023. Collection method: clinical testing. Allele origin: germline.

Labcorp Genetics (formerly Invitae), Labcorp
Classification: Uncertain significance for Diffuse cerebral and cerebellar atrophy - intractable seizures - progressive microcephaly syndrome. Last evaluated: 2023-12-22. Review status: criteria provided, single submitter. Criteria: Invitae Variant Classification Sherloc (09022015). Collection method: clinical testing. Allele origin: germline.
Comment: This sequence change replaces arginine, which is basic and polar, with cysteine, which is neutral and slightly polar, at codon 486 of the QARS protein (p.Arg486Cys). This variant is present in population databases (rs750282631, gnomAD 0.003%). This variant has not been reported in the literature in individuals affected with QARS-related conditions. ClinVar contains an entry for this variant (Variation ID: 1063022). Advanced modeling of protein sequence and biophysical properties (such as structural, functional, and spatial information, amino acid conservation, physicochemical variation, residue mobility, and thermodynamic stability) has been performed at Invitae for this missense variant, however the output from this modeling did not meet the statistical confidence thresholds required to predict the impact of this variant on QARS protein function. In summary, the available evidence is currently insufficient to determine the role of this variant in disease. Therefore, it has been classified as a Variant of Uncertain Significance.

NM_005051.3(QARS1):c.1456C>T (p.Arg486Cys)

Gene: QARS1 (glutaminyl-tRNA synthetase 1; minus strand). Cytogenetic location: 3p21.31.
Variant type: single nucleotide variant.
Coding change: c.1456C>T on transcript NM_005051.3 (MANE Select); coding-DNA position 1456, C replaced by T.
Protein change: p.Arg486Cys; replaces arginine 486 with cysteine.
Molecular consequence: missense variant. On other transcripts: non-coding transcript variant (1).
Genome position (GRCh38, 1-based): chr3:49,099,580, G>A on the plus strand (C>T on the coding strand, the complement: QARS1 is on the minus strand). VCF-style: chr3-49099580-G-A. GRCh37 (hg19) VCF-style: chr3-49137013-G-A.
Other names: c.1423C>T, p.Arg475Cys (NM_001272073.2); c.1456C>T (NM_005051.1); short protein forms R475C, R486C.
Identifiers: ClinVar variation 1063022 (VCV001063022.4), dbSNP rs750282631, ClinGen allele CA2391747.
Genomic context (GRCh38, chr3:49,099,580, plus strand): 5'-CAGTTGCTACAAGCTGGAGGATCTTCCTCTTAGAGACAACAGCATAGTGCAGGTTGAGGC[G>A]GCCATACTCCCACTGCACAGGGCAATAGACGTCCAGTGCATTGCAAAGCCAGAAGTAGGA-3'
Protein context (NP_005042.1, residues 476-496): VYCPVQWEYG[Arg486Cys]LNLHYAVVSK